The following is an entry in ClinVar:

ClinVar aggregate classification (germline): Likely pathogenic (1 of 4 stars; one submission).

Conditions:
Cardiovascular phenotype. Identifiers: MedGen CN230736.

Submission:

Ambry Genetics
Classification: Likely pathogenic for Cardiovascular phenotype. Last evaluated: 2025-02-14. Review status: criteria provided, single submitter. Criteria: Ambry Variant Classification Scheme 2023. Collection method: clinical testing. Allele origin: germline.
Comment: The p.G2003R variant (also known as c.6007G>A), located in coding exon 44 of the ABCA1 gene, results from a G to A substitution at nucleotide position 6007. The glycine at codon 2003 is replaced by arginine, an amino acid with dissimilar properties. This variant has been identified in conjunction with other ABCA1 variant(s) in individual(s) with features consistent with ABCA1-related high density lipoprotein deficiency; in at least one instance, the variants were identified in trans (Ambry internal data). This amino acid position is highly conserved in available vertebrate species. In addition, this alteration is predicted to be deleterious by in silico analysis. This variant is considered to be rare based on population cohorts in the Genome Aggregation Database (gnomAD). Based on the majority of available evidence to date, this variant is likely to be pathogenic.

NM_005502.4(ABCA1):c.6007G>A (p.Gly2003Arg)

Genes: ABCA1 (ATP binding cassette subfamily A member 1; minus strand), NIPSNAP3B (nipsnap homolog 3B; plus strand). Cytogenetic location: 9q31.1.
Variant type: single nucleotide variant.
Coding change: c.6007G>A on transcript NM_005502.4 (MANE Select); coding-DNA position 6007, G replaced by A.
Protein change: p.Gly2003Arg; replaces glycine 2003 with arginine.
Molecular consequence: missense variant.
Genome position (GRCh38, 1-based): chr9:104,788,488, C>T on the plus strand (G>A on the coding strand, the complement: ABCA1 is on the minus strand). VCF-style: chr9-104788488-C-T. GRCh37 (hg19) VCF-style: chr9-107550769-C-T.
Other names: short protein forms G2003R.
Identifiers: ClinVar variation 3492444 (VCV003492444.2).
Genomic context (GRCh38, chr9:104,788,488, plus strand): 5'-TGCCAACTTCTTTCTCTGGGACTCCTCTCAAAAGGGCAAAGAACTCCACGTGTTCTCTCC[C>T]AGTCAACAGCTCTGTGATGGCATCAAACTGAGGGCAGTAGCCCATGTTCTGATGTACTTC-3'
Protein context (NP_005493.2, residues 1993-2013): QFDAITELLT[Gly2003Arg]REHVEFFALL